The following is an entry in ClinVar:

ClinVar aggregate classification (germline): Benign (1 of 4 stars; one submission).

Conditions:
Leigh syndrome (NULS). Also called: Leigh's necrotizing encephalopathy; Leigh's disease; Leigh's syndrome; LEIGH SYNDROME, NUCLEAR; Leigh Syndrome (mtDNA deletion); Leigh Disease. Identifiers: Orphanet 506, MedGen C2931891, MONDO:0009723, OMIM 256000.

Submission:

Wong Mito Lab, Molecular and Human Genetics, Baylor College of Medicine
Classification: Benign for Leigh syndrome. Last evaluated: 2019-10-17. Review status: criteria provided, single submitter. Criteria: Modified ACMG Guidelines (Unpublished). Collection method: clinical testing. Allele origin: germline.
Comment: The NC_012920.1:m.15735C>T (YP_003024038.1:p.Ala330Val) variant in MTCYB gene is interpretated to be a Benign variant based on the modified ACMG guidelines (unpublished). This variant meets the following evidence codes: BS1, BS2, BP4

NC_012920.1(MT-CYB):m.15735C>T

Gene: MT-CYB (mitochondrially encoded cytochrome b; plus strand).
Variant type: single nucleotide variant.
Genome position: chrM-15735-C-T.
Identifiers: ClinVar variation 693941 (VCV000693941.1), dbSNP rs1603225446, ClinGen allele CA913174694.